The following is an entry in ClinVar:

NM_032043.3(BRIP1):c.2957C>G (p.Ser986Cys)

Gene: BRIP1 (BRCA1 interacting DNA helicase 1; minus strand). Cytogenetic location: 17q23.2.
Variant type: single nucleotide variant.
Coding change: c.2957C>G on transcript NM_032043.3 (MANE Select); coding-DNA position 2957, C replaced by G.
Protein change: p.Ser986Cys; replaces serine 986 with cysteine.
Molecular consequence: missense variant.
Genome position (GRCh38, 1-based): chr17:61,684,089, G>C on the plus strand (C>G on the coding strand, the complement: BRIP1 is on the minus strand). VCF-style: chr17-61684089-G-C. GRCh37 (hg19) VCF-style: chr17-59761450-G-C.
Other names: short protein forms S986C.
Identifiers: ClinVar variation 231375 (VCV000231375.20), dbSNP rs182087528, ClinGen allele CA8690417.
Genomic context (GRCh38, chr17:61,684,089, plus strand): 5'-TTAAAGCTTGACCAGCTAACTCTCTTTGTTTGTTTGTTGAAAGTTGGGCTTGTGGATCTG[G>C]AAATCACAATTTTTTCTGCTTTCCCTGCTTCTTCCAGGAATACTGGATCATCTAAGAATA-3'
Protein context (NP_114432.2, residues 976-996): EAGKAEKIVI[Ser986Cys]RSTSPTFNKQ

ClinVar aggregate classification (germline): Uncertain significance. Review status: criteria provided, multiple submitters, no conflicts (2 of 4 stars). 6 submissions from 6 submitters: Uncertain significance (6). Last evaluated 2025-10-25.

Conditions:
Hereditary cancer-predisposing syndrome. Also called: Neoplastic Syndromes, Hereditary; Hereditary Cancer Syndrome; Tumor predisposition; Hereditary neoplastic syndrome. Identifiers: Orphanet 140162, MedGen C0027672, MeSH D009386, MONDO:0015356.
Fanconi anemia complementation group J. Also called: BRIP1-Related Fanconi Anemia. Identifiers: Orphanet 84, MedGen C1836860, MONDO:0012187, OMIM 609054.
Familial cancer of breast. Also called: hereditary breast carcinoma; Hereditary breast cancer; BREAST CANCER, FAMILIAL. Identifiers: Orphanet 227535, MedGen C0346153, MONDO:0016419, OMIM 114480. Disease mechanism: loss of function.

Allele frequency attached by ClinVar (database versions not stated): gnomAD exomes below 0.00001; TOPMed below 0.00001; ExAC 0.00001; gnomAD 0.00001 and 0.00002; 1000 Genomes Project 30x 0.00016; 1000 Genomes Project 0.00020.
gnomAD v4.1: 3 of 1,613,586 alleles (0.00019%); highest among the groups gnomAD compares: Admixed American, 0.005%; no homozygotes.

Submissions (6):

Labcorp Genetics (formerly Invitae), Labcorp
Classification: Uncertain significance for Familial cancer of breast; Fanconi anemia complementation group J. Last evaluated: 2025-10-25. Review status: criteria provided, single submitter. Criteria: Invitae Variant Classification Sherloc (09022015). Collection method: clinical testing. Allele origin: germline.
Comment: This sequence change replaces serine, which is neutral and polar, with cysteine, which is neutral and slightly polar, at codon 986 of the BRIP1 protein (p.Ser986Cys). This variant is present in population databases (rs182087528, gnomAD 0.003%). This variant has not been reported in the literature in individuals affected with BRIP1-related conditions. ClinVar contains an entry for this variant (Variation ID: 231375). Invitae Evidence Modeling of protein sequence and biophysical properties (such as structural, functional, and spatial information, amino acid conservation, physicochemical variation, residue mobility, and thermodynamic stability) indicates that this missense variant is not expected to disrupt BRIP1 protein function with a negative predictive value of 95%. In summary, the available evidence is currently insufficient to determine the role of this variant in disease. Therefore, it has been classified as a Variant of Uncertain Significance.

Quest Diagnostics Nichols Institute San Juan Capistrano
Classification: Uncertain significance. Last evaluated: 2025-08-04. Review status: criteria provided, single submitter. Criteria: Quest Diagnostics criteria. Collection method: clinical testing. Allele origin: unknown.
Comment: The BRIP1 c.2957C>G (p.Ser986Cys) variant has not been reported in individuals with BRIP1-related conditions in the published literature. The frequency of this variant in the general population (Genome Aggregation Database) is uninformative in the assessment of its pathogenicity. Analysis of this variant using bioinformatics tools for the prediction of the effect of amino acid changes on protein structure and function yielded conflicting predictions that this variant is benign or damaging. Based on the available information, we are unable to determine the clinical significance of this variant.

Ambry Genetics
Classification: Uncertain significance for Hereditary cancer-predisposing syndrome. Last evaluated: 2024-09-05. Review status: criteria provided, single submitter. Criteria: Ambry Variant Classification Scheme 2023. Collection method: clinical testing. Allele origin: germline.
Comment: The p.S986C variant (also known as c.2957C>G), located in coding exon 19 of the BRIP1 gene, results from a C to G substitution at nucleotide position 2957. The serine at codon 986 is replaced by cysteine, an amino acid with dissimilar properties. This amino acid position is highly conserved in available vertebrate species. In addition, the in silico prediction for this alteration is inconclusive. Since supporting evidence is limited at this time, the clinical significance of this alteration remains unclear.

Blueprint Genetics
Classification: Uncertain significance. Last evaluated: 2024-07-08. Review status: criteria provided, single submitter. Criteria: ACMG Guidelines, 2015. Collection method: clinical testing. Allele origin: germline.

Color Diagnostics, LLC DBA Color Health
Classification: Uncertain significance for Hereditary cancer-predisposing syndrome. Last evaluated: 2024-03-06. Review status: criteria provided, single submitter. Criteria: ACMG Guidelines, 2015. Collection method: clinical testing. Allele origin: germline.
Comment: This missense variant replaces serine with cysteine at codon 986 of the BRIP1 protein. Computational prediction suggests that this variant may not impact protein structure and function (internally defined REVEL score threshold <= 0.5, PMID: 27666373). To our knowledge, functional studies have not been reported for this variant. This variant has not been reported in individuals affected with hereditary cancer in the literature. This variant has been identified in 1/250766 chromosomes in the general population by the Genome Aggregation Database (gnomAD). The available evidence is insufficient to determine the role of this variant in disease conclusively. Therefore, this variant is classified as a Variant of Uncertain Significance.

Sema4
Classification: Uncertain significance for Hereditary cancer-predisposing syndrome. Last evaluated: 2021-12-02. Review status: criteria provided, single submitter. Criteria: Sema4 Curation Guidelines. Collection method: curation. Allele origin: germline.
Comment: To the best of our knowledge, the BRIP1 c.2957C>G (p.S986C) variant has not been reported in individuals with BRIP1-related disease. This variant was observed in 1/34414 chromosomes in the Latino/Admixed American subpopulation, according to the Genome Aggregation Database (PMID: 32461654). This variant has been reported in ClinVar (Variation ID: 231375). Functional studies have not been performed, and in silico predictions of the variant's effect on protein function are inconclusive. The evidence is insufficient to meet ACMG/AMP criteria for classifying the variant as benign or pathogenic. Thus, the clinical significance of this variant is currently uncertain.